The following is an entry in ClinVar:

NC_000012.11:g.(?_133201283)_(133250303_?)dup

Gene: POLE (DNA polymerase epsilon, catalytic subunit; minus strand). Cytogenetic location: 12q24.33.
Variant type: Duplication.
Identifiers: ClinVar variation 1047234 (VCV001047234.5).

ClinVar aggregate classification (germline): Uncertain significance (1 of 4 stars; one submission).

Submission:

Labcorp Genetics (formerly Invitae), Labcorp
Classification: Uncertain significance. Last evaluated: 2020-09-09. Review status: criteria provided, single submitter. Criteria: Invitae Variant Classification Sherloc (09022015). Collection method: clinical testing. Allele origin: germline.
Comment: In summary, the available evidence is currently insufficient to determine the role of this variant in disease. Therefore, it has been classified as a Variant of Uncertain Significance. This variant has not been reported in the literature in individuals with POLE-related conditions. This variant results in a copy number gain of the genomic region encompassing exon(s) 13-49 of the POLE gene. The 5' boundary is likely confined to intron 12. The 3' end of this event is unknown as it extends beyond the assayed region for this gene and therefore may encompass additional genes. As the precise location of this event is unknown, it may be in tandem or it may be located elsewhere in the genome.